The following is an entry in ClinVar:

ClinVar aggregate classification (germline): Likely benign (0 of 4 stars; one submission).

Conditions:
LRP2-related disorder. Also called: LRP2-related condition.

Allele frequency attached by ClinVar (database versions not stated): gnomAD exomes below 0.00001.
gnomAD v4.1: 1 of 1,613,174 alleles (0.000062%); highest among the groups gnomAD compares: South Asian, 0.0011%; no homozygotes.

Submission:

PreventionGenetics, part of Exact Sciences
Classification: Likely benign for LRP2-related condition. Last evaluated: 2023-12-20. Review status: no assertion criteria provided. Collection method: clinical testing. Allele origin: germline.
Comment: This variant is classified as likely benign based on ACMG/AMP sequence variant interpretation guidelines (Richards et al. 2015 PMID: 25741868, with internal and published modifications).

NM_004525.3(LRP2):c.1794C>T (p.Gly598=)

Gene: LRP2 (LDL receptor related protein 2; minus strand). Cytogenetic location: 2q31.1.
Variant type: single nucleotide variant.
Coding change: c.1794C>T on transcript NM_004525.3 (MANE Select); coding-DNA position 1794, C replaced by T.
Protein change: p.Gly598=; no amino-acid change (glycine 598 retained).
Molecular consequence: synonymous variant.
Genome position (GRCh38, 1-based): chr2:169,275,217, G>A on the plus strand (C>T on the coding strand, the complement: LRP2 is on the minus strand). VCF-style: chr2-169275217-G-A. GRCh37 (hg19) VCF-style: chr2-170131727-G-A.
Identifiers: ClinVar variation 3032127 (VCV003032127.2), dbSNP rs2528499590, ClinGen allele CA429919115.